The following is an entry in ClinVar:

NM_004612.4(TGFBR1):c.723G>A (p.Ser241=)

Gene: TGFBR1 (transforming growth factor beta receptor 1; plus strand). Cytogenetic location: 9q22.33.
Variant type: single nucleotide variant.
Coding change: c.723G>A on transcript NM_004612.4 (MANE Select); coding-DNA position 723, G replaced by A.
Protein change: p.Ser241=; no amino-acid change (serine 241 retained).
Molecular consequence: synonymous variant.
Genome position (GRCh38, 1-based): chr9:99,138,007, G>A. VCF-style: chr9-99138007-G-A. GRCh37 (hg19) VCF-style: chr9-101900289-G-A.
Other names: c.492G>A, p.Ser164= (NM_001130916.3); c.735G>A, p.Ser245= (NM_001306210.2).
Identifiers: ClinVar variation 391327 (VCV000391327.14), dbSNP rs201112150, ClinGen allele CA16605937.

ClinVar aggregate classification (germline): Likely benign. Review status: criteria provided, multiple submitters, no conflicts (2 of 4 stars). 5 submissions from 5 submitters: Likely benign (5). Last evaluated 2025-04-17.

Conditions:
Loeys-Dietz syndrome (LDS). Identifiers: Orphanet 60030, MedGen C2697932, MONDO:0018954.
Familial thoracic aortic aneurysm and aortic dissection (TAAD). Also called: Thoracic aortic aneurysms and dissections. Identifiers: Orphanet 91387, MedGen C4707243, MONDO:0019625.

gnomAD v4.1: 14 of 1,614,048 alleles (0.00087%); highest among the groups gnomAD compares: South Asian, 0.0011%; no homozygotes.

Submissions (5):

Labcorp Genetics (formerly Invitae), Labcorp
Classification: Likely benign for Familial thoracic aortic aneurysm and aortic dissection. Last evaluated: 2025-04-17. Review status: criteria provided, single submitter. Criteria: Invitae Variant Classification Sherloc (09022015). Collection method: clinical testing. Allele origin: germline.

All of Us Research Program, National Institutes of Health
Classification: Likely benign for Loeys-Dietz syndrome. Last evaluated: 2024-02-05. Review status: criteria provided, single submitter. Criteria: ACMG Guidelines, 2015. Collection method: clinical testing. Allele origin: germline. Inheritance: Autosomal dominant inheritance. Observed: 3 variant alleles, 3 heterozygotes.
Comment: This study involves interpretation of variants in research participants for the purpose of population health screening. Participant phenotype was not available at the time of variant classification. Additional details can be found in publication PMID: 35346344, PMCID: PMC8962531

Ambry Genetics
Classification: Likely benign for Familial thoracic aortic aneurysm and aortic dissection. Last evaluated: 2023-03-16. Review status: criteria provided, single submitter. Criteria: Ambry Variant Classification Scheme 2023. Collection method: clinical testing. Allele origin: germline.

Color Diagnostics, LLC DBA Color Health
Classification: Likely benign for Familial thoracic aortic aneurysm and aortic dissection. Last evaluated: 2020-01-14. Review status: criteria provided, single submitter. Criteria: ACMG Guidelines, 2015. Collection method: clinical testing. Allele origin: germline.

GeneDx
Classification: Likely benign. Last evaluated: 2016-12-05. Review status: criteria provided, single submitter. Criteria: GeneDx Variant Classification (06012015). Collection method: clinical testing. Allele origin: germline. Affected: yes.
Comment: This variant is considered likely benign or benign based on one or more of the following criteria: it is a conservative change, it occurs at a poorly conserved position in the protein, it is predicted to be benign by multiple in silico algorithms, and/or has population frequency not consistent with disease.